The following is an entry in ClinVar:

ClinVar aggregate classification (germline): Uncertain significance (1 of 4 stars; one submission).

Conditions:
Shprintzen-Goldberg syndrome (SGS). Also called: SHPRINTZEN-GOLDBERG CRANIOSYNOSTOSIS SYNDROME; CRANIOSYNOSTOSIS WITH ARACHNODACTYLY AND ABDOMINAL HERNIAS; Marfanoid disorder with craniosynostosis type 1; Marfanoid craniosynostosis syndrome; Shprintzen-Goldberg marfanoid syndrome. Identifiers: Orphanet 2462, MedGen C1321551, MONDO:0008426, OMIM 182212.

Allele frequency attached by ClinVar (database versions not stated): gnomAD 0.00001; gnomAD exomes below 0.00001.
gnomAD v4.1: 4 of 1,575,624 alleles (0.00025%); highest among the groups gnomAD compares: South Asian, 0.0012%; no homozygotes.

Submission:

Labcorp Genetics (formerly Invitae), Labcorp
Classification: Uncertain significance for Shprintzen-Goldberg syndrome. Last evaluated: 2023-12-26. Review status: criteria provided, single submitter. Criteria: Invitae Variant Classification Sherloc (09022015). Collection method: clinical testing. Allele origin: germline.
Comment: This sequence change replaces lysine, which is basic and polar, with glutamine, which is neutral and polar, at codon 576 of the SKI protein (p.Lys576Gln). This variant is not present in population databases (gnomAD no frequency). This variant has not been reported in the literature in individuals affected with SKI-related conditions. Advanced modeling of protein sequence and biophysical properties (such as structural, functional, and spatial information, amino acid conservation, physicochemical variation, residue mobility, and thermodynamic stability) has been performed at Invitae for this missense variant, however the output from this modeling did not meet the statistical confidence thresholds required to predict the impact of this variant on SKI protein function. In summary, the available evidence is currently insufficient to determine the role of this variant in disease. Therefore, it has been classified as a Variant of Uncertain Significance.

NM_003036.4(SKI):c.1726A>C (p.Lys576Gln)

Gene: SKI (SKI proto-oncogene; plus strand). Cytogenetic location: 1p36.32.
Variant type: single nucleotide variant.
Coding change: c.1726A>C on transcript NM_003036.4 (MANE Select); coding-DNA position 1726, A replaced by C.
Protein change: p.Lys576Gln; replaces lysine 576 with glutamine.
Molecular consequence: missense variant.
Genome position (GRCh38, 1-based): chr1:2,304,544, A>C. VCF-style: chr1-2304544-A-C. GRCh37 (hg19) VCF-style: chr1-2235983-A-C.
Other names: short protein forms K576Q.
Identifiers: ClinVar variation 2895234 (VCV002895234.3), dbSNP rs765079242, ClinGen allele CA536772.